The following is an entry in ClinVar:

NM_000077.5(CDKN2A):c.149A>C (p.Gln50Pro)

Gene: CDKN2A (cyclin dependent kinase inhibitor 2A; minus strand). Cytogenetic location: 9p21.3.
Variant type: single nucleotide variant.
Coding change: c.149A>C on transcript NM_000077.5; coding-DNA position 149, A replaced by C.
Protein change: p.Gln50Pro; replaces glutamine 50 with proline.
Molecular consequence: missense variant (on NM_000077.6). On other transcripts: intron variant (2).
Genome position (GRCh38, 1-based): chr9:21,974,679, T>G on the plus strand (A>C on the coding strand, the complement: CDKN2A is on the minus strand). VCF-style: chr9-21974679-T-G. GRCh37 (hg19) VCF-style: chr9-21974678-T-G.
Other names: c.149A>C, p.Gln50Pro (NM_000077.6, NM_001195132.2, NM_058197.5); c.-3-3471A>C (NM_001363763.2); c.194-3471A>C (NM_058195.4); short protein forms Q50P.
Identifiers: ClinVar variation 187713 (VCV000187713.17), dbSNP rs587778189, ClinGen allele CA198385.
Genomic context (GRCh38, chr9:21,974,679, plus strand): 5'-AACTTCGTCCTCCAGAGTCGCCCGCCATCCCCTGCTCCCGCTGCAGACCCTCTACCCACC[T>G]GGATCGGCCTCCGACCGTAACTATTCGGTGCGTTGGGCAGCGCCCCCGCCTCCAGCAGCG-3'
Protein context (NP_000068.1, residues 40-60): APNSYGRRPI[Gln50Pro]VMMMGSARVA

ClinVar aggregate classification (germline): Likely pathogenic. Review status: criteria provided, multiple submitters, no conflicts (2 of 4 stars). 3 submissions from 3 submitters: Likely pathogenic (3). Last evaluated 2026-07-23.

Conditions:
Hereditary cancer-predisposing syndrome. Also called: Neoplastic Syndromes, Hereditary; Hereditary Cancer Syndrome; Tumor predisposition; Hereditary neoplastic syndrome. Identifiers: Orphanet 140162, MedGen C0027672, MeSH D009386, MONDO:0015356.
Familial melanoma. Also called: Hereditary melanoma; Hereditary cutaneous melanoma. Identifiers: Orphanet 618, MedGen C1512419, MONDO:0018961.
Melanoma-pancreatic cancer syndrome. Identifiers: Orphanet 404560, MedGen C1838547, MONDO:0011713, OMIM 606719. Disease mechanism: loss of function.

Submissions (3):

Ambry Genetics
Classification: Likely pathogenic for Hereditary cancer-predisposing syndrome. Last evaluated: 2026-07-23. Review status: criteria provided, single submitter. Criteria: Ambry Variant Classification Scheme 2023. Collection method: clinical testing. Allele origin: germline.
Comment: The p.Q50P variant (also known as c.149A>C), located in coding exon 1 of the CDKN2A gene, results from an A to C substitution at nucleotide position 149. The glutamine at codon 50 is replaced by proline, an amino acid with similar properties. This alteration was initially reported in a melanoma and pancreatic cancer kindred. This alteration has also been reported in a proband with melanoma who had a family history of melanoma in 2/7 FDRs (Begg CB, J. Natl. Cancer Inst. 2005 Oct; 97(20):1507-15). RT-PCR of RNA extracted from lymphoblastoid cells showed an incomplete splicing impact for this alteration, predicted to result in a protein with an in-frame deletion of 23 amino acids (Loo JC, Oncogene 2003 Sep; 22(41):6387-94). In addition, a yeast-based assay reported that this alteration impaired binding with CDK4 (Loo JC, Oncogene 2003 Sep; 22(41):6387-94). Another alteration at the same codon, p.Q50R (c.149A>G), has been detected in melanoma and pancreatic cancer cohorts and was reported to segregate with melanoma in at least six melanoma-affected individuals in one family (Walker GJ et al. Hum. Mol. Genet. 1995 Oct;4:1845-52; Box NF et al. Am. J. Hum. Genet. 2001 Oct;69:765-73). This amino acid position is highly conserved in available vertebrate species. In addition, this missense alteration is predicted to be deleterious by in silico analysis. Based on the majority of available evidence to date, this variant is likely to be pathogenic.

Labcorp Genetics (formerly Invitae), Labcorp
Classification: Likely pathogenic for Familial melanoma. Last evaluated: 2026-01-11. Review status: criteria provided, single submitter. Criteria: Invitae Variant Classification Sherloc (09022015). Collection method: clinical testing. Allele origin: germline.
Comment: This sequence change replaces glutamine, which is neutral and polar, with proline, which is neutral and non-polar, at codon 50 of the CDKN2A (p16INK4a) protein (p.Gln50Pro). This variant is not present in population databases (gnomAD no frequency). This missense change has been observed in individual(s) with melanoma (PMID: 11815963, 16234564, 16896043, 30967399). ClinVar contains an entry for this variant (Variation ID: 187713). An algorithm developed to predict the effect of missense changes on protein structure and function (PolyPhen-2) suggests that this variant is likely to be disruptive. Experimental studies have shown that this missense change affects CDKN2A (p16INK4a) function (PMID: 14508519). Studies have shown that this missense change is associated with altered splicing resulting in multiple RNA products (PMID: 14508519). In summary, the currently available evidence indicates that the variant is pathogenic, but additional data are needed to prove that conclusively. Therefore, this variant has been classified as Likely Pathogenic.

Myriad Genetics, Inc.
Classification: Likely pathogenic for Melanoma-pancreatic cancer syndrome. Last evaluated: 2025-08-14. Review status: criteria provided, single submitter. Criteria: Myriad Autosomal Dominant, Autosomal Recessive and X-Linked Classification Criteria (2023). Collection method: clinical testing. Allele origin: unknown.
Comment: This variant is considered likely pathogenic. This variant has been reported in multiple individuals with clinical features of gene-specific disease [PMID: 11815963, 21462282, 16234564, Myriad Internal Data]. Functional studies indicate this variant impacts protein function [PMID: 14508519].

Literature cited by the submitters: PubMed 11815963 (cited by 3 submitters); PubMed 14508519 (cited by 3 submitters); PubMed 16234564 (cited by 3 submitters); PubMed 17218939 (cited by Ambry Genetics); PubMed 33766116 (cited by Ambry Genetics); PubMed 16896043 (cited by Labcorp Genetics (formerly Invitae), Labcorp); PubMed 30967399 (cited by Labcorp Genetics (formerly Invitae), Labcorp); PubMed 21462282 (cited by Myriad Genetics, Inc.).